The following is an entry in ClinVar:

ClinVar aggregate classification (germline): Uncertain significance (1 of 4 stars; one submission).

Submission:

Labcorp Genetics (formerly Invitae), Labcorp
Classification: Uncertain significance. Last evaluated: 2025-07-08. Review status: criteria provided, single submitter. Criteria: Invitae Variant Classification Sherloc (09022015). Collection method: clinical testing. Allele origin: germline.
Comment: This sequence change replaces serine, which is neutral and polar, with isoleucine, which is neutral and non-polar, at codon 273 of the DSPP protein (p.Ser273Ile). This variant is present in population databases (no rsID available, gnomAD 0.002%). This variant has not been reported in the literature in individuals affected with DSPP-related conditions. An algorithm developed to predict the effect of missense changes on protein structure and function (PolyPhen-2) suggests that this variant is likely to be disruptive. In summary, the available evidence is currently insufficient to determine the role of this variant in disease. Therefore, it has been classified as a Variant of Uncertain Significance.

NM_014208.3(DSPP):c.818G>T (p.Ser273Ile)

Genes: DMP1-AS1 (DMP1 and DSPP antisense RNA 1; minus strand), DSPP (dentin sialophosphoprotein; plus strand). Cytogenetic location: 4q22.1.
Variant type: single nucleotide variant.
Coding change: c.818G>T on transcript NM_014208.3 (MANE Select); coding-DNA position 818, G replaced by T.
Protein change: p.Ser273Ile; replaces serine 273 with isoleucine.
Molecular consequence: missense variant.
Genome position (GRCh38, 1-based): chr4:87,613,004, G>T. VCF-style: chr4-87613004-G-T. GRCh37 (hg19) VCF-style: chr4-88534156-G-T.
Other names: short protein forms S273I.
Identifiers: ClinVar variation 4696709 (VCV004696709.1).